The following is an entry in ClinVar:

NM_024420.3(PLA2G4A):c.1909A>G (p.Ile637Val)

Gene: PLA2G4A (phospholipase A2 group IVA; plus strand). Cytogenetic location: 1q31.1.
Variant type: single nucleotide variant.
Coding change: c.1909A>G on transcript NM_024420.3 (MANE Select); coding-DNA position 1909, A replaced by G.
Protein change: p.Ile637Val; replaces isoleucine 637 with valine.
Molecular consequence: missense variant.
Genome position (GRCh38, 1-based): chr1:186,977,737, A>G. VCF-style: chr1-186977737-A-G. GRCh37 (hg19) VCF-style: chr1-186946869-A-G.
Other names: p.Ile637Val; c.1729A>G, p.Ile577Val (NM_001311193.2); short protein forms I637V, I577V.
Identifiers: ClinVar variation 770331 (VCV000770331.12), dbSNP rs28395831, ClinGen allele CA1300317.
Genomic context (GRCh38, chr1:186,977,737, plus strand): 5'-CTGAAGGAGTGCTATGTCTTTAAACCCAAGAATCCTGATATGGAGAAAGATTGCCCAACC[A>G]TCATCCACTTTGTTCTGGCCAACATCAACTTCAGAAAGTACAGGGCTCCAGGTAAGTAGG-3'
Protein context (NP_077734.2, residues 627-647): NPDMEKDCPT[Ile637Val]IHFVLANINF

ClinVar aggregate classification (germline): Benign. Review status: criteria provided, multiple submitters, no conflicts (2 of 4 stars). 4 submissions from 4 submitters: Benign (4). Last evaluated 2026-02-01.

Conditions:
PLA2G4A-related disorder. Also called: PLA2G4A-related condition.

Allele frequency attached by ClinVar (database versions not stated): 1000 Genomes Project 30x 0.00640; gnomAD 0.00657 and 0.00705; 1000 Genomes Project 0.00659; TOPMed 0.00713; ESP Exome Variant Server 0.00769; ExAC 0.00852; gnomAD exomes 0.00873 and 0.00903.
gnomAD v4.1: 14,324 of 1,613,804 alleles (0.89%); highest among the groups gnomAD compares: Middle Eastern, 4.4%; 105 homozygotes.

Submissions (4):

Labcorp Genetics (formerly Invitae), Labcorp
Classification: Benign. Last evaluated: 2026-02-01. Review status: criteria provided, single submitter. Criteria: Invitae Variant Classification Sherloc (09022015). Collection method: clinical testing. Allele origin: germline.

PreventionGenetics, part of Exact Sciences
Classification: Benign for PLA2G4A-related condition. Last evaluated: 2025-07-30. Review status: criteria provided, single submitter. Criteria: ACMG Guidelines, 2015. Collection method: clinical testing. Allele origin: germline.
Comment: This variant is classified as benign based on ACMG/AMP sequence variant interpretation guidelines (Richards et al. 2015 PMID: 25741868, with internal and published modifications).

Mayo Clinic Laboratories, Mayo Clinic
Classification: Benign. Last evaluated: 2024-04-30. Review status: criteria provided, single submitter. Criteria: ACMG Guidelines, 2015. Collection method: clinical testing. Allele origin: germline. Observed: 11 variant alleles.
Comment: BS1, BS2, BP4, PM1_supporting

Breakthrough Genomics
Classification: Benign. Review status: criteria provided, single submitter. Criteria: ACMG Guidelines, 2015. Collection method: not provided. Allele origin: germline. Inheritance: Autosomal recessive inheritance. Affected: yes.